The following is an entry in ClinVar:

NM_001267550.2(TTN):c.92782G>C (p.Asp30928His)

Genes: TTN (titin; minus strand), TTN-AS1 (TTN antisense RNA 1; plus strand). Cytogenetic location: 2q31.2.
Variant type: single nucleotide variant.
Coding change: c.92782G>C on transcript NM_001267550.2 (MANE Select); coding-DNA position 92782, G replaced by C.
Protein change: p.Asp30928His; replaces aspartic acid 30928 with histidine.
Molecular consequence: missense variant.
Genome position (GRCh38, 1-based): chr2:178,548,844, C>G on the plus strand (G>C on the coding strand, the complement: TTN is on the minus strand). VCF-style: chr2-178548844-C-G. GRCh37 (hg19) VCF-style: chr2-179413571-C-G.
Other names: p.Asp29287His; c.87859G>C, p.Asp29287His (NM_001256850.1); c.85078G>C, p.Asp28360His (NM_133378.4); c.65587G>C, p.Asp21863His (NM_003319.4); c.65962G>C, p.Asp21988His (NM_133432.3); c.66163G>C, p.Asp22055His (NM_133437.4); short protein forms D30928H, D28360H, D21988H, D21863H, D22055H, D29287H.
Identifiers: ClinVar variation 47528 (VCV000047528.50), dbSNP rs397517756, ClinGen allele CA141274.

ClinVar aggregate classification (germline): Conflicting classifications of pathogenicity. Review status: criteria provided, conflicting classifications (1 of 4 stars). 13 submissions from 13 submitters: Uncertain significance (10); Likely benign (3). Last evaluated 2026-07-01.

Conditions:
TTN-related disorder. Also called: TTN-related condition; TTN-related disease; TTN-related disorders.
Cardiovascular phenotype. Identifiers: MedGen CN230736.
Dilated cardiomyopathy 1G (CMD1G). Identifiers: Orphanet 154, MedGen C1858763, MONDO:0011400, OMIM 604145.
Autosomal recessive limb-girdle muscular dystrophy type 2J (LGMDR10). Also called: Limb-girdle muscular dystrophy, type 2J; MUSCULAR DYSTROPHY, LIMB-GIRDLE, AUTOSOMAL RECESSIVE 10. Identifiers: Orphanet 140922, MedGen C1837342, MONDO:0012127, OMIM 608807.
Myopathy, myofibrillar, 9, with early respiratory failure (MFM9). Also called: Hereditary myopathy with early respiratory failure; Myopathy, distal, with early respiratory failure, autosomal dominant; EDSTROM MYOPATHY; MYOPATHY, PROXIMAL, WITH EARLY RESPIRATORY MUSCLE INVOLVEMENT. Identifiers: Orphanet 178464, Orphanet 34521, MedGen C1863599, MONDO:0011362, OMIM 603689.
Tibial muscular dystrophy (TMD). Also called: Udd Distal Myopathy – Tibial Muscular Dystrophy; Tibial muscular dystrophy, tardive; UDD MYOPATHY. Identifiers: Orphanet 609, MedGen C1838244, MONDO:0010870, OMIM 600334.
Early-onset myopathy with fatal cardiomyopathy (CMYO5). Also called: Salih Myopathy; CONGENITAL MYOPATHY 5 WITH CARDIOMYOPATHY. Identifiers: Orphanet 289377, MedGen C2673677, MONDO:0012714, OMIM 611705. Disease mechanism: loss of function.
Hypertrophic cardiomyopathy 9. Also called: Familial hypertrophic cardiomyopathy 9. Identifiers: MedGen C1861065, MONDO:0013412, OMIM 613765.

Allele frequency attached by ClinVar (database versions not stated): gnomAD exomes 0.00010 and 0.00012; ExAC 0.00012; gnomAD 0.00015 and 0.00016; TOPMed 0.00028.
gnomAD v4.1: 200 of 1,613,172 alleles (0.012%); highest among the groups gnomAD compares: Admixed American, 0.032%; no homozygotes.

Submissions (13):

PreventionGenetics, part of Exact Sciences
Classification: Uncertain significance for TTN-related condition. Last evaluated: 2026-07-01. Review status: criteria provided, single submitter. Criteria: ACMG Guidelines, 2015. Collection method: clinical testing. Allele origin: germline.
Comment: The TTN c.92782G>C variant is predicted to result in the amino acid substitution p.Asp30928His. To our knowledge, this variant has not been reported in the literature. This variant is reported in 0.023% of alleles in individuals of European (Non-Finnish) descent in gnomAD. Although we suspect that this variant may be benign, at this time, the clinical significance of this variant is uncertain due to the absence of conclusive functional and genetic evidence.

Women's Health and Genetics/Laboratory Corporation of America, LabCorp
Classification: Uncertain significance. Last evaluated: 2026-02-24. Review status: criteria provided, single submitter. Criteria: LabCorp Variant Classification Summary - May 2015. Collection method: clinical testing. Allele origin: germline.
Comment: Variant summary: TTN c.85078G>C (p.Asp28360His) results in a non-conservative amino acid change located in the A-band region of the encoded protein sequence. Algorithms developed to predict the effect of missense changes on protein structure and function all suggest that this variant is likely to be disruptive. The variant allele was found at a frequency of 0.00012 in 1606176 control chromosomes, predominantly at a frequency of 0.00032 within the Latino subpopulation in the gnomAD database. This frequency is somewhat lower than the maximum estimated for disease-causing variants in TTN, allowing no clear conclusions about variant significance. To our knowledge, no occurrence of c.85078G>C in individuals affected with TTN-related conditions and no experimental evidence demonstrating its impact on protein function have been reported. ClinVar contains an entry for this variant (Variation ID: 47528). Based on the evidence outlined above, the variant was classified as VUS-possibly benign.

Mayo Clinic Laboratories, Mayo Clinic
Classification: Uncertain significance. Last evaluated: 2025-10-10. Review status: criteria provided, single submitter. Criteria: ACMG Guidelines, 2015. Collection method: clinical testing. Allele origin: germline. Observed: 3 variant alleles.

Revvity Omics, Revvity
Classification: Uncertain significance. Last evaluated: 2025-04-23. Review status: criteria provided, single submitter. Criteria: ACMG Guidelines, 2015. Collection method: clinical testing. Allele origin: germline.

Blueprint Genetics
Classification: Likely benign. Last evaluated: 2024-11-06. Review status: criteria provided, single submitter. Criteria: ACMG Guidelines, 2015. Collection method: clinical testing. Allele origin: germline.

CeGaT Center for Human Genetics Tuebingen
Classification: Uncertain significance. Last evaluated: 2024-06-01. Review status: criteria provided, single submitter. Criteria: CeGaT Center For Human Genetics Tuebingen Variant Classification Criteria Version 2. Collection method: clinical testing. Allele origin: germline. Affected: yes. Observed: 1 variant allele.
Comment: TTN: PM2, PP3

Department of Pathology and Laboratory Medicine, Sinai Health System
Classification: Uncertain significance for Tibial muscular dystrophy; Myopathy, myofibrillar, 9, with early respiratory failure; Dilated cardiomyopathy 1G; Autosomal recessive limb-girdle muscular dystrophy type 2J; Early-onset myopathy with fatal cardiomyopathy; Hypertrophic cardiomyopathy 9. Last evaluated: 2022-02-15. Review status: criteria provided, single submitter. Criteria: ACMG Guidelines, 2015. Collection method: research. Allele origin: germline.

GeneDx
Classification: Likely benign. Last evaluated: 2020-09-17. Review status: criteria provided, single submitter. Criteria: GeneDx Variant Classification Process June 2021. Collection method: clinical testing. Allele origin: germline. Affected: yes.

Ambry Genetics
Classification: Likely benign for Cardiovascular phenotype. Last evaluated: 2020-03-26. Review status: criteria provided, single submitter. Criteria: Ambry Variant Classification Scheme 2023. Collection method: clinical testing. Allele origin: germline.

ARUP Laboratories, Molecular Genetics and Genomics, ARUP Laboratories
Classification: Uncertain significance. Last evaluated: 2018-02-27. Review status: criteria provided, single submitter. Criteria: ARUP Molecular Germline Variant Investigation Process. Collection method: clinical testing. Allele origin: germline.
Comment: The TTN c.85078G>C; p.Asp28360His variant is rare in the general population (<1% allele frequency in the Genome Aggregation Database) and has not been reported in the medical literature in association with dilated cardiomyopathy (DCM) or other TTN-related disease. The clinical relevance of rare missense variants in this gene, which are identified on average once per individual sequenced in affected populations (Herman 2012), is not well understood. While the clinical significance of such variants is considered uncertain, evidence suggests that vast majority of missense variants do not contribute to the clinical outcome of DCM (Begay 2015). Given the available evidence, the clinical significance of the p.Asp28360His variant cannot be determined with certainty.

Eurofins Ntd Llc (ga)
Classification: Uncertain significance. Last evaluated: 2017-11-17. Review status: criteria provided, single submitter. Criteria: EGL Classification Definitions 2015. Collection method: clinical testing. Allele origin: germline. Observed: 4 variant alleles, 4 heterozygotes.

Labcorp Genetics (formerly Invitae), Labcorp
Classification: Uncertain significance for Dilated cardiomyopathy 1G; Autosomal recessive limb-girdle muscular dystrophy type 2J. Last evaluated: 2017-08-04. Review status: criteria provided, single submitter. Criteria: Invitae Variant Classification Sherloc (09022015). Collection method: clinical testing. Allele origin: germline.

Laboratory for Molecular Medicine, Mass General Brigham Personalized Medicine
Classification: Uncertain significance. Last evaluated: 2012-11-07. Review status: criteria provided, single submitter. Criteria: LMM Criteria. Collection method: clinical testing. Allele origin: germline. Observed: 1 variant allele.
Comment: The Asp28360His variant in TTN has not been reported in the literature nor previ ously identified by our laboratory. This variant has not been identified in larg e and broad European American and African American populations by the NHLBI Exom e Sequencing Project. Computational analyses (biochemical amino acid properties, conservation, AlignGVGD, PolyPhen2, and SIF T) do not provide strong support for or against an impact to the protein. In sum mary, additional information is needed to fully assess the clinical significance of this variant.